The following is an entry in ClinVar:

ClinVar aggregate classification (germline): Likely benign. Review status: criteria provided, multiple submitters, no conflicts (2 of 4 stars). 2 submissions from 2 submitters: Likely benign (2). Last evaluated 2025-07-06.

Conditions:
Dilated cardiomyopathy 1G (CMD1G). Identifiers: Orphanet 154, MedGen C1858763, MONDO:0011400, OMIM 604145.
Autosomal recessive limb-girdle muscular dystrophy type 2J (LGMDR10). Also called: MUSCULAR DYSTROPHY, LIMB-GIRDLE, AUTOSOMAL RECESSIVE 10; Limb-girdle muscular dystrophy, type 2J. Identifiers: Orphanet 140922, MedGen C1837342, MONDO:0012127, OMIM 608807.

Allele frequency attached by ClinVar (database versions not stated): TOPMed below 0.00001; gnomAD 0.00001.
gnomAD v4.1: 4 of 1,613,016 alleles (0.00025%); highest among the groups gnomAD compares: Admixed American, 0.0017%; no homozygotes.

Submissions (2):

Labcorp Genetics (formerly Invitae), Labcorp
Classification: Likely benign for Dilated cardiomyopathy 1G; Autosomal recessive limb-girdle muscular dystrophy type 2J. Last evaluated: 2025-07-06. Review status: criteria provided, single submitter. Criteria: Invitae Variant Classification Sherloc (09022015). Collection method: clinical testing. Allele origin: germline.

GeneDx
Classification: Likely benign. Last evaluated: 2018-05-23. Review status: criteria provided, single submitter. Criteria: GeneDx Variant Classification (06012015). Collection method: clinical testing. Allele origin: germline. Affected: yes.
Comment: This variant is considered likely benign or benign based on one or more of the following criteria: it is a conservative change, it occurs at a poorly conserved position in the protein, it is predicted to be benign by multiple in silico algorithms, and/or has population frequency not consistent with disease.

NM_001267550.2(TTN):c.97275A>G (p.Glu32425=)

Genes: TTN-AS1 (TTN antisense RNA 1; plus strand), TTN (titin; minus strand). Cytogenetic location: 2q31.2.
Variant type: single nucleotide variant.
Coding change: c.97275A>G on transcript NM_001267550.2 (MANE Select); coding-DNA position 97275, A replaced by G.
Protein change: p.Glu32425=; no amino-acid change (glutamic acid 32425 retained).
Molecular consequence: synonymous variant.
Genome position (GRCh38, 1-based): chr2:178,542,481, T>C on the plus strand (A>G on the coding strand, the complement: TTN is on the minus strand). VCF-style: chr2-178542481-T-C. GRCh37 (hg19) VCF-style: chr2-179407208-T-C.
Other names: c.92352A>G, p.Glu30784= (NM_001256850.1); c.70080A>G, p.Glu23360= (NM_003319.4); c.89571A>G, p.Glu29857= (NM_133378.4); c.70455A>G, p.Glu23485= (NM_133432.3); c.70656A>G, p.Glu23552= (NM_133437.4).
Identifiers: ClinVar variation 669077 (VCV000669077.3), dbSNP rs1575399513, ClinGen allele CA430240751.